The following is an entry in ClinVar:

NM_005120.3(MED12):c.1744+5G>T

Genes: MED12 (mediator complex subunit 12; plus strand), LOC126863275 (BRD4-independent group 4 enhancer GRCh37_chrX:70342400-70343599; plus strand). Cytogenetic location: Xq13.1.
Variant type: single nucleotide variant.
Coding change: c.1744+5G>T on transcript NM_005120.3 (MANE Select); 5 bases into the intron after coding-DNA position 1744, G replaced by T.
Molecular consequence: intron variant.
Genome position (GRCh38, 1-based): chrX:71,123,725, G>T. VCF-style: chrX-71123725-G-T. GRCh37 (hg19) VCF-style: chrX-70343575-G-T.
Identifiers: ClinVar variation 3695735 (VCV003695735.2).
Genomic context (GRCh38, chrX:71,123,725, plus strand): 5'-TCCCATTTTCCAGGATGTCCTCCTGCAGTTTCTGGATACACAGGCTCCCATGCTGAGTAC[G>T]GACCCCTACCACTCTCTAGTTACCTCTGCCTAGACTCAGTTACCCACCACTGTCATCAGA-3'

ClinVar aggregate classification (germline): Uncertain significance (1 of 4 stars; one submission).

Conditions:
FG syndrome (FGS). Identifiers: MedGen C0220769, MONDO:0002010.

gnomAD v4.1: 3 of 1,186,719 alleles (0.00025%); highest among the groups gnomAD compares: Non-Finnish European, 0.00034%; no homozygotes.

Submission:

Labcorp Genetics (formerly Invitae), Labcorp
Classification: Uncertain significance for FG syndrome. Last evaluated: 2024-11-23. Review status: criteria provided, single submitter. Criteria: Invitae Variant Classification Sherloc (09022015). Collection method: clinical testing. Allele origin: germline.
Comment: This sequence change falls in intron 12 of the MED12 gene. It does not directly change the encoded amino acid sequence of the MED12 protein. It affects a nucleotide within the consensus splice site. This variant is not present in population databases (gnomAD no frequency). This variant has not been reported in the literature in individuals affected with MED12-related conditions. Variants that disrupt the consensus splice site are a relatively common cause of aberrant splicing (PMID: 17576681, 9536098). Algorithms developed to predict the effect of sequence changes on RNA splicing suggest that this variant may disrupt the consensus splice site. In summary, the available evidence is currently insufficient to determine the role of this variant in disease. Therefore, it has been classified as a Variant of Uncertain Significance.

Literature cited by the submitters: PubMed 17576681; PubMed 9536098.